The following is an entry in ClinVar:

NM_001165963.4(SCN1A):c.3624A>T (p.Arg1208Ser)

Genes: SCN1A (sodium voltage-gated channel alpha subunit 1; minus strand), LOC102724058 (uncharacterized LOC102724058; plus strand). Cytogenetic location: 2q24.3.
Variant type: single nucleotide variant.
Coding change: c.3624A>T on transcript NM_001165963.4 (MANE Select); coding-DNA position 3624, A replaced by T.
Protein change: p.Arg1208Ser; replaces arginine 1208 with serine.
Molecular consequence: missense variant. On other transcripts: non-coding transcript variant (1).
Genome position (GRCh38, 1-based): chr2:166,013,825, T>A on the plus strand (A>T on the coding strand, the complement: SCN1A is on the minus strand). VCF-style: chr2-166013825-T-A. GRCh37 (hg19) VCF-style: chr2-166870335-T-A.
Other names: c.3591A>T, p.Arg1197Ser (NM_001353950.2, NM_001353951.2, NM_001353952.2 and 2 more transcripts); c.3588A>T, p.Arg1196Ser (NM_001353954.2, NM_001353955.2); c.3540A>T, p.Arg1180Ser (NM_001353957.2, NM_001353958.2, NM_001165964.3); c.3537A>T, p.Arg1179Ser (NM_001353960.2); c.1182A>T, p.Arg394Ser (NM_001353961.2); c.3624A>T, p.Arg1208Ser (NM_001202435.3, NM_001353948.2); short protein forms R1179S, R1197S, R1208S, R394S, R1180S, R1196S.
Identifiers: ClinVar variation 3680448 (VCV003680448.2).

ClinVar aggregate classification (germline): Uncertain significance (1 of 4 stars; one submission).

Conditions:
Early-infantile DEE. Also called: Ohtahara syndrome; Early infantile epileptic encephalopathy with suppression bursts; Early infantile epileptic encephalopathy. Identifiers: Orphanet 1934, MedGen C0393706, MONDO:0800491.

Submission:

Labcorp Genetics (formerly Invitae), Labcorp
Classification: Uncertain significance for Early-infantile DEE. Last evaluated: 2024-04-27. Review status: criteria provided, single submitter. Criteria: Invitae Variant Classification Sherloc (09022015). Collection method: clinical testing. Allele origin: germline.
Comment: This sequence change replaces arginine, which is basic and polar, with serine, which is neutral and polar, at codon 1208 of the SCN1A protein (p.Arg1208Ser). This variant is not present in population databases (gnomAD no frequency). This missense change has been observed in individual(s) with clinical features of SCN1A-related conditions (Invitae). Advanced modeling of protein sequence and biophysical properties (such as structural, functional, and spatial information, amino acid conservation, physicochemical variation, residue mobility, and thermodynamic stability) performed at Invitae indicates that this missense variant is expected to disrupt SCN1A protein function with a positive predictive value of 95%. Algorithms developed to predict the effect of sequence changes on RNA splicing suggest that this variant may disrupt the consensus splice site. In summary, the available evidence is currently insufficient to determine the role of this variant in disease. Therefore, it has been classified as a Variant of Uncertain Significance.